The following is an entry in ClinVar:

ClinVar aggregate classification (germline): Uncertain significance (1 of 4 stars; one submission).

Submission:

Labcorp Genetics (formerly Invitae), Labcorp
Classification: Uncertain significance. Last evaluated: 2023-01-25. Review status: criteria provided, single submitter. Criteria: Invitae Variant Classification Sherloc (09022015). Collection method: clinical testing. Allele origin: germline.
Comment: In summary, the available evidence is currently insufficient to determine the role of this variant in disease. Therefore, it has been classified as a Variant of Uncertain Significance. Algorithms developed to predict the effect of missense changes on protein structure and function (SIFT, PolyPhen-2, Align-GVGD) all suggest that this variant is likely to be disruptive. This variant has not been reported in the literature in individuals affected with NEXMIF-related conditions. This variant is not present in population databases (gnomAD no frequency). This sequence change replaces aspartic acid, which is acidic and polar, with tyrosine, which is neutral and polar, at codon 181 of the NEXMIF protein (p.Asp181Tyr).

NM_001008537.3(NEXMIF):c.541G>T (p.Asp181Tyr)

Gene: NEXMIF (neurite extension and migration factor; minus strand). Cytogenetic location: Xq13.3.
Variant type: single nucleotide variant.
Coding change: c.541G>T on transcript NM_001008537.3 (MANE Select); coding-DNA position 541, G replaced by T.
Protein change: p.Asp181Tyr; replaces aspartic acid 181 with tyrosine.
Molecular consequence: missense variant.
Genome position (GRCh38, 1-based): chrX:74,744,016, C>A on the plus strand (G>T on the coding strand, the complement: NEXMIF is on the minus strand). VCF-style: chrX-74744016-C-A. GRCh37 (hg19) VCF-style: chrX-73963851-C-A.
Other names: short protein forms D181Y.
Identifiers: ClinVar variation 2035987 (VCV002035987.4), dbSNP rs2519916546, ClinGen allele CA413673100.